The following is an entry in ClinVar:

ClinVar aggregate classification (germline): Uncertain significance (1 of 4 stars; one submission).

Allele frequency attached by ClinVar (database versions not stated): gnomAD 0.00002 and 0.00001; gnomAD exomes below 0.00001.
gnomAD v4.1: 10 of 1,612,662 alleles (0.00062%); highest among the groups gnomAD compares: Admixed American, 0.0083%; no homozygotes.

Submission:

Labcorp Genetics (formerly Invitae), Labcorp
Classification: Uncertain significance. Last evaluated: 2022-01-14. Review status: criteria provided, single submitter. Criteria: Invitae Variant Classification Sherloc (09022015). Collection method: clinical testing. Allele origin: germline.
Comment: This sequence change replaces alanine, which is neutral and non-polar, with threonine, which is neutral and polar, at codon 284 of the DLL3 protein (p.Ala284Thr). This variant is present in population databases (rs779543693, gnomAD 0.006%). This variant has not been reported in the literature in individuals affected with DLL3-related conditions. Algorithms developed to predict the effect of missense changes on protein structure and function output the following: SIFT: "Deleterious"; PolyPhen-2: "Probably Damaging"; Align-GVGD: "Class C0". The threonine amino acid residue is found in multiple mammalian species, which suggests that this missense change does not adversely affect protein function. In summary, the available evidence is currently insufficient to determine the role of this variant in disease. Therefore, it has been classified as a Variant of Uncertain Significance.

NM_203486.3(DLL3):c.850G>A (p.Ala284Thr)

Gene: DLL3 (delta like canonical Notch ligand 3; plus strand). Cytogenetic location: 19q13.2.
Variant type: single nucleotide variant.
Coding change: c.850G>A on transcript NM_203486.3 (MANE Select); coding-DNA position 850, G replaced by A.
Protein change: p.Ala284Thr; replaces alanine 284 with threonine.
Molecular consequence: missense variant.
Genome position (GRCh38, 1-based): chr19:39,504,268, G>A. VCF-style: chr19-39504268-G-A. GRCh37 (hg19) VCF-style: chr19-39994908-G-A.
Other names: c.850G>A, p.Ala284Thr (NM_016941.4); short protein forms A284T.
Identifiers: ClinVar variation 1500420 (VCV001500420.3), dbSNP rs779543693, ClinGen allele CA9432279.
Genomic context (GRCh38, chr19:39,504,268, plus strand): 5'-TCCTCTGCTACCACCGGATGCCTTGTCCCTGGGCCTGGGCCCTGTGACGGGAACCCGTGT[G>A]CCAATGGAGGCAGCTGTAGTGTCAGTGTCACCCTTCCCACCTTGTCCTGCTTAGTACTTT-3'
Protein context (NP_982353.1, residues 274-294): GPGPCDGNPC[Ala284Thr]NGGSCSETPR